The following is an entry in ClinVar:

ClinVar aggregate classification (germline): Benign/Likely benign. Review status: criteria provided, multiple submitters, no conflicts (2 of 4 stars). 4 submissions from 4 submitters: Benign (2); Likely benign (2). Last evaluated 2026-06-03.

Conditions:
KIT-related disorder. Also called: KIT-related condition.
Hereditary cancer-predisposing syndrome. Also called: Hereditary Cancer Syndrome; Tumor predisposition; Hereditary neoplastic syndrome; Neoplastic Syndromes, Hereditary. Identifiers: Orphanet 140162, MedGen C0027672, MeSH D009386, MONDO:0015356.
Gastrointestinal stromal tumor. Also called: Gastrointestinal stroma tumor; Gastrointestinal stromal tumor, somatic. Identifiers: Orphanet 44890, MedGen C0238198, MeSH D046152, MONDO:0011719, OMIM 606764, HP:0100723.

Allele frequency attached by ClinVar (database versions not stated): gnomAD 0.00002; gnomAD exomes 0.00004 and 0.00023; TOPMed 0.00006; ExAC 0.00015.
gnomAD v4.1: 63 of 1,612,098 alleles (0.0039%); highest among the groups gnomAD compares: Admixed American, 0.1%; no homozygotes.

Submissions (4):

Myriad Genetics, Inc.
Classification: Benign for Gastrointestinal stromal tumor. Last evaluated: 2026-06-03. Review status: criteria provided, single submitter. Criteria: Myriad Autosomal Dominant, Autosomal Recessive and X-Linked Classification Criteria (2023). Collection method: clinical testing. Allele origin: unknown.
Comment: This variant is considered benign. This variant is a silent/synonymous amino acid change and it is not expected to impact splicing.

PreventionGenetics, part of Exact Sciences
Classification: Likely benign for KIT-related condition. Last evaluated: 2026-05-20. Review status: criteria provided, single submitter. Criteria: ACMG Guidelines, 2015. Collection method: clinical testing. Allele origin: germline.
Comment: This variant is classified as likely benign based on ACMG/AMP sequence variant interpretation guidelines (Richards et al. 2015 PMID: 25741868, with internal and published modifications).

Labcorp Genetics (formerly Invitae), Labcorp
Classification: Benign for Gastrointestinal stromal tumor. Last evaluated: 2026-01-16. Review status: criteria provided, single submitter. Criteria: Invitae Variant Classification Sherloc (09022015). Collection method: clinical testing. Allele origin: germline.

Ambry Genetics
Classification: Likely benign for Hereditary cancer-predisposing syndrome. Last evaluated: 2019-03-30. Review status: criteria provided, single submitter. Criteria: Ambry Variant Classification Scheme 2023. Collection method: clinical testing. Allele origin: germline.

NM_000222.3(KIT):c.1137A>G (p.Leu379=)

Gene: KIT (KIT proto-oncogene, receptor tyrosine kinase; plus strand). Cytogenetic location: 4q12.
Variant type: single nucleotide variant.
Coding change: c.1137A>G on transcript NM_000222.3 (MANE Select); coding-DNA position 1137, A replaced by G.
Protein change: p.Leu379=; no amino-acid change (leucine 379 retained).
Molecular consequence: synonymous variant.
Genome position (GRCh38, 1-based): chr4:54,709,445, A>G. VCF-style: chr4-54709445-A-G. GRCh37 (hg19) VCF-style: chr4-55575611-A-G.
Other names: c.1137A>G, p.Leu379= (NM_001093772.2, NM_001385285.1, NM_001385286.1); c.1140A>G, p.Leu380= (NM_001385284.1, NM_001385288.1, NM_001385290.1 and 1 more transcripts).
Identifiers: ClinVar variation 415815 (VCV000415815.18), dbSNP rs773723931, ClinGen allele CA2923395.